The following is an entry in ClinVar:

NM_001142864.4(PIEZO1):c.7219G>C (p.Glu2407Gln)

Gene: PIEZO1 (piezo type mechanosensitive ion channel component 1 (Er blood group); minus strand). Cytogenetic location: 16q24.3.
Variant type: single nucleotide variant.
Coding change: c.7219G>C on transcript NM_001142864.4 (MANE Select); coding-DNA position 7219, G replaced by C.
Protein change: p.Glu2407Gln; replaces glutamic acid 2407 with glutamine.
Molecular consequence: missense variant.
Genome position (GRCh38, 1-based): chr16:88,716,030, C>G on the plus strand (G>C on the coding strand, the complement: PIEZO1 is on the minus strand). VCF-style: chr16-88716030-C-G. GRCh37 (hg19) VCF-style: chr16-88782438-C-G.
Other names: PIEZO1, GLU2407GLN (rs200291894); p.Glu2407Gln; c.5761G>C, p.Glu1921Gln (NM_014745.1); short protein forms E1921Q, E2407Q.
Identifiers: ClinVar variation 2344481 (VCV002344481.36), dbSNP rs200291894, ClinGen allele CA8231377.

ClinVar aggregate classification (germline): Conflicting classifications of pathogenicity. Review status: criteria provided, conflicting classifications (1 of 4 stars). 9 submissions from 9 submitters: Uncertain significance (7); Benign (1). 1 of the submissions does not count toward it. Last evaluated 2026-02-23.

Conditions:
Lymphatic malformation 6 (LMPHM6). Also called: GENERALIZED LYMPHATIC DYSPLASIA OF FOTIOU; Lymphedema, hereditary, III; PIEZO1-related generalized lymphatic dysplasia with non-immune hydrops fetalis. Identifiers: Orphanet 568062, MedGen C4225184, MONDO:0014797, OMIM 616843.
Inborn genetic diseases. Identifiers: MedGen C0950123, MeSH D030342.
Blood group, ER (ER). Also called: ER BLOOD GROUP SYSTEM. Identifiers: MedGen C5703066, OMIM 620207.

Allele frequency attached by ClinVar (database versions not stated): 1000 Genomes Project 30x 0.00016; ExAC 0.00021.
gnomAD v4.1: 308 of 1,550,220 alleles (0.02%); highest among the groups gnomAD compares: Middle Eastern, 0.13%; no homozygotes.

Submissions (9):

Clinical Genomics Laboratory, Washington University in St. Louis
Classification: Uncertain significance for Lymphatic malformation 6. Last evaluated: 2026-02-23. Review status: criteria provided, single submitter. Criteria: ACMG Guidelines, 2015. Collection method: clinical testing. Allele origin: germline.
Comment: A PIEZO1 c.7219G>C (p.Glu2407Gln) variant was identified at a heterozygous allelic fraction of 50.3%, a frequency which may be consistent with germline origin. This variant has been reported in the literature in relation to Er red blood cell antigens, but to our knowledge, it has not been identified in individuals with vascular anomalies or overgrowth. It has been reported in the ClinVar database as a germline variant of uncertain significance by five submitters and a germline benign variant by one submitter (ClinVar Variation ID: 2344481). The PIEZO1 c.7219G>C (p.Glu2407Gln) variant is observed on 308/1,550,220 alleles in the general population (gnomAD v4.1.0). Computational predictors suggest that the variant does not impact PIEZO1 function. Due to limited information, and based on ACMG/AMP guidelines for variant interpretation (Richards S et al., PMID: 25741868), the clinical significance of this variant is uncertain at this time.

Mayo Clinic Laboratories, Mayo Clinic
Classification: Uncertain significance. Last evaluated: 2025-09-03. Review status: criteria provided, single submitter. Criteria: ACMG Guidelines, 2015. Collection method: clinical testing. Allele origin: germline. Observed: 1 variant allele.
Comment: BP4

GeneDx
Classification: Uncertain significance. Last evaluated: 2025-04-26. Review status: criteria provided, single submitter. Criteria: GeneDx Variant Classification Process June 2021. Collection method: clinical testing. Allele origin: germline. Affected: yes.
Comment: Reported in the heterozygous state in a patient with dehydrated hereditary stomatocytosis type 1/hereditary elliptocytosis; however, this patient also harbors a variant in the SPTB gene (PMID: 34201899); Observed in the heterozygous state in a symptomatic beta thallassemia carrier with mild anemia, splenomegaly, alteration of hemolysis indices, and gallstones (PMID: 36882369); In silico analysis indicates that this missense variant does not alter protein structure/function; This variant is associated with the following publications: (PMID: 39051122, 36122374, 34201899, 36882369)

Revvity Omics, Revvity
Classification: Uncertain significance. Last evaluated: 2025-01-24. Review status: criteria provided, single submitter. Criteria: ACMG Guidelines, 2015. Collection method: clinical testing. Allele origin: germline.

Labcorp Genetics (formerly Invitae), Labcorp
Classification: Benign. Last evaluated: 2024-12-02. Review status: criteria provided, single submitter. Criteria: Invitae Variant Classification Sherloc (09022015). Collection method: clinical testing. Allele origin: germline.

Blueprint Genetics
Classification: Uncertain significance. Last evaluated: 2024-09-02. Review status: criteria provided, single submitter. Criteria: ACMG Guidelines, 2015. Collection method: clinical testing. Allele origin: germline.

CeGaT Center for Human Genetics Tuebingen
Classification: Uncertain significance. Last evaluated: 2023-05-01. Review status: criteria provided, single submitter. Criteria: CeGaT Center For Human Genetics Tuebingen Variant Classification Criteria Version 2. Collection method: clinical testing. Allele origin: germline. Affected: yes. Observed: 1 variant allele.

Ambry Genetics
Classification: Uncertain significance for Inborn genetic diseases. Last evaluated: 2021-07-09. Review status: criteria provided, single submitter. Criteria: Ambry Variant Classification Scheme 2023. Collection method: clinical testing. Allele origin: germline.

OMIM
Classification: Affects for ER BLOOD GROUP SYSTEM, ER(4-). Last evaluated: 2023-01-26. Review status: no assertion criteria provided. Collection method: literature only. Allele origin: germline. Not counted in ClinVar's aggregate classification.

Literature cited by the submitters: PubMed 34201899 (cited by Mayo Clinic Laboratories, Mayo Clinic); PubMed 36122374 (cited by Mayo Clinic Laboratories, Mayo Clinic and OMIM); PubMed 36882369 (cited by Mayo Clinic Laboratories, Mayo Clinic).